The following is an entry in ClinVar:

ClinVar aggregate classification (germline): Uncertain significance. Review status: criteria provided, multiple submitters, no conflicts (2 of 4 stars). 6 submissions from 6 submitters: Uncertain significance (6). Last evaluated 2026-01-10.

Conditions:
Hereditary cancer-predisposing syndrome. Also called: Neoplastic Syndromes, Hereditary; Tumor predisposition; Hereditary Cancer Syndrome; Hereditary neoplastic syndrome. Identifiers: Orphanet 140162, MedGen C0027672, MeSH D009386, MONDO:0015356.
Familial cancer of breast. Also called: BREAST CANCER, FAMILIAL; Hereditary breast cancer; hereditary breast carcinoma. Identifiers: Orphanet 227535, MedGen C0346153, MONDO:0016419, OMIM 114480. Disease mechanism: loss of function.

gnomAD v4.1: 1 of 1,614,164 alleles (0.000062%); highest among the groups gnomAD compares: Non-Finnish European, 0.000085%; no homozygotes.

Submissions (6):

Labcorp Genetics (formerly Invitae), Labcorp
Classification: Uncertain significance for Familial cancer of breast. Last evaluated: 2026-01-10. Review status: criteria provided, single submitter. Criteria: Invitae Variant Classification Sherloc (09022015). Collection method: clinical testing. Allele origin: germline.
Comment: This sequence change replaces proline, which is neutral and non-polar, with serine, which is neutral and polar, at codon 759 of the BARD1 protein (p.Pro759Ser). This variant is present in population databases (no rsID available, gnomAD 0.0009%). This variant has not been reported in the literature in individuals affected with BARD1-related conditions. ClinVar contains an entry for this variant (Variation ID: 482803). An algorithm developed to predict the effect of missense changes on protein structure and function outputs the following: PolyPhen-2: "Benign". The serine amino acid residue is found in multiple mammalian species, which suggests that this missense change does not adversely affect protein function. In summary, the available evidence is currently insufficient to determine the role of this variant in disease. Therefore, it has been classified as a Variant of Uncertain Significance.

Color Diagnostics, LLC DBA Color Health
Classification: Uncertain significance for Hereditary cancer-predisposing syndrome. Last evaluated: 2024-05-21. Review status: criteria provided, single submitter. Criteria: ACMG Guidelines, 2015. Collection method: clinical testing. Allele origin: germline.
Comment: This missense variant replaces proline with serine at codon 759 of the BARD1 protein. Computational prediction suggests that this variant may not impact protein structure and function. To our knowledge, functional studies have not been reported for this variant. This variant has not been reported in individuals affected with hereditary cancer in the literature. In a large breast cancer case-control meta-analysis, this variant was absent in 60466 cases and observed in 3/53458 unaffected controls (PMID: 33471991). This variant has been identified in 1/251256 chromosomes in the general population by the Genome Aggregation Database (gnomAD). The available evidence is insufficient to determine the role of this variant in disease conclusively. Therefore, this variant is classified as a Variant of Uncertain Significance.

Ambry Genetics
Classification: Uncertain significance for Hereditary cancer-predisposing syndrome. Last evaluated: 2024-04-12. Review status: criteria provided, single submitter. Criteria: Ambry Variant Classification Scheme 2023. Collection method: clinical testing. Allele origin: germline.
Comment: The p.P759S variant (also known as c.2275C>T), located in coding exon 11 of the BARD1 gene, results from a C to T substitution at nucleotide position 2275. The proline at codon 759 is replaced by serine, an amino acid with similar properties. This variant was not reported in population based cohorts in the following databases: Database of Single Nucleotide Polymorphisms (dbSNP), NHLBI Exome Sequencing Project (ESP), and 1000 Genomes Project. In the ESP, this variant was not observed in 6503 samples (13006 alleles) with coverage at this position. To date, this alteration has been detected with an allele frequency of approximately 0.001% (greater than 175000 alleles tested) in our clinical cohort. This amino acid position is well conserved in available vertebrate species. In addition, this alteration is predicted to be tolerated by in silico analysis. Since supporting evidence is limited at this time, the clinical significance of this alteration remains unclear.

Baylor Genetics
Classification: Uncertain significance for Familial cancer of breast. Last evaluated: 2023-08-22. Review status: criteria provided, single submitter. Criteria: ACMG Guidelines, 2015. Collection method: clinical testing. Allele origin: unknown.

GeneDx
Classification: Uncertain significance. Last evaluated: 2023-03-29. Review status: criteria provided, single submitter. Criteria: GeneDx Variant Classification Process June 2021. Collection method: clinical testing. Allele origin: germline. Affected: yes.
Comment: Not observed at significant frequency in large population cohorts (gnomAD); In silico analysis supports that this missense variant has a deleterious effect on protein structure/function; Has not been previously published as pathogenic or benign to our knowledge; This variant is associated with the following publications: (PMID: 17550235)

Fulgent Genetics
Classification: Uncertain significance for Familial cancer of breast. Last evaluated: 2021-11-10. Review status: criteria provided, single submitter. Criteria: ACMG Guidelines, 2015. Collection method: clinical testing. Allele origin: unknown.

Literature cited by the submitters: PubMed 33471991 (cited by Color Diagnostics, LLC DBA Color Health).

NM_000465.4(BARD1):c.2275C>T (p.Pro759Ser)

Gene: BARD1 (BRCA1 associated RING domain 1; minus strand). Cytogenetic location: 2q35.
Variant type: single nucleotide variant.
Coding change: c.2275C>T on transcript NM_000465.4 (MANE Select); coding-DNA position 2275, C replaced by T.
Protein change: p.Pro759Ser; replaces proline 759 with serine.
Molecular consequence: missense variant. On other transcripts: non-coding transcript variant (3).
Genome position (GRCh38, 1-based): chr2:214,728,735, G>A on the plus strand (C>T on the coding strand, the complement: BARD1 is on the minus strand). VCF-style: chr2-214728735-G-A. GRCh37 (hg19) VCF-style: chr2-215593459-G-A.
Other names: c.2218C>T, p.Pro740Ser (NM_001282543.2); c.922C>T, p.Pro308Ser (NM_001282545.2); c.865C>T, p.Pro289Ser (NM_001282548.2); c.736C>T, p.Pro246Ser (NM_001282549.2); short protein forms P759S, P740S, P289S, P246S, P308S.
Identifiers: ClinVar variation 482803 (VCV000482803.17), dbSNP rs1318628468, ClinGen allele CA350449937.